The following is an entry in ClinVar:

NM_000070.3(CAPN3):c.8C>T (p.Thr3Ile)

Gene: CAPN3 (calpain 3; plus strand). Cytogenetic location: 15q15.1.
Variant type: single nucleotide variant.
Coding change: c.8C>T on transcript NM_000070.3 (MANE Select); coding-DNA position 8, C replaced by T.
Protein change: p.Thr3Ile; replaces threonine 3 with isoleucine.
Molecular consequence: missense variant.
Genome position (GRCh38, 1-based): chr15:42,359,813, C>T. VCF-style: chr15-42359813-C-T. GRCh37 (hg19) VCF-style: chr15-42652011-C-T.
Other names: c.8C>T, p.Thr3Ile (NM_024344.2, NM_173087.2); short protein forms T3I.
Identifiers: ClinVar variation 4810491 (VCV004810491.1).

ClinVar aggregate classification (germline): Uncertain significance (1 of 4 stars; one submission).

Conditions:
Autosomal recessive limb-girdle muscular dystrophy type 2A (LGMDR1). Also called: Muscular dystrophy, limb-girdle, type 2A, Amish; LEYDEN-MOEBIUS MUSCULAR DYSTROPHY; MUSCULAR DYSTROPHY, PELVOFEMORAL; Limb-girdle muscular dystrophy, type 2A; Calpainopathy. Identifiers: Orphanet 267, MedGen C1869123, MONDO:0009675, OMIM 253600. Disease mechanism: loss of function.

Submission:

Labcorp Genetics (formerly Invitae), Labcorp
Classification: Uncertain significance for Autosomal recessive limb-girdle muscular dystrophy type 2A. Last evaluated: 2025-11-25. Review status: criteria provided, single submitter. Criteria: Invitae Variant Classification Sherloc (09022015). Collection method: clinical testing. Allele origin: germline.
Comment: This sequence change replaces threonine, which is neutral and polar, with isoleucine, which is neutral and non-polar, at codon 3 of the CAPN3 protein (p.Thr3Ile). This variant is present in population databases (rs754880814, gnomAD 0.007%). This variant has not been reported in the literature in individuals affected with CAPN3-related conditions. Invitae Evidence Modeling of protein sequence and biophysical properties (such as structural, functional, and spatial information, amino acid conservation, physicochemical variation, residue mobility, and thermodynamic stability) has been performed for this missense variant. However, the output from this modeling did not meet the statistical confidence thresholds required to predict the impact of this variant on CAPN3 protein function. In summary, the available evidence is currently insufficient to determine the role of this variant in disease. Therefore, it has been classified as a Variant of Uncertain Significance.